The following is an entry in ClinVar:

NM_002582.4(PARN):c.1781C>A (p.Thr594Asn)

Gene: PARN (poly(A)-specific ribonuclease; minus strand). Cytogenetic location: 16p13.12.
Variant type: single nucleotide variant.
Coding change: c.1781C>A on transcript NM_002582.4 (MANE Select); coding-DNA position 1781, C replaced by A.
Protein change: p.Thr594Asn; replaces threonine 594 with asparagine.
Molecular consequence: missense variant.
Genome position (GRCh38, 1-based): chr16:14,446,971, G>T on the plus strand (C>A on the coding strand, the complement: PARN is on the minus strand). VCF-style: chr16-14446971-G-T. GRCh37 (hg19) VCF-style: chr16-14540828-G-T.
Other names: c.1598C>A, p.Thr533Asn (NM_001134477.3); c.1643C>A, p.Thr548Asn (NM_001242992.2); short protein forms T548N, T533N, T594N.
Identifiers: ClinVar variation 1931905 (VCV001931905.5), dbSNP rs2506559956, ClinGen allele CA395184384.
Genomic context (GRCh38, chr16:14,446,971, plus strand): 5'-ATTCTTTTTAATTTCTTGGCCTTTTTCCTTCCCTCTGAGAGGGGCTCTGCACAGGAATCG[G>T]TCTGCTCAAGCTCAGTGTCGGAAATCTCCCCTGACACTCCGTCCTCCAGGCCAGCTTCCT-3'
Protein context (NP_002573.1, residues 584-604): GEISDTELEQ[Thr594Asn]DSCAEPLSEG

ClinVar aggregate classification (germline): Uncertain significance (1 of 4 stars; one submission).

Conditions:
Dyskeratosis congenita, autosomal recessive 6 (DKCB6). Identifiers: MedGen C4225356, MONDO:0014600, OMIM 616353.
Pulmonary fibrosis and/or bone marrow failure, Telomere-related, 4. Also called: PULMONARY FIBROSIS AND/OR BONE MARROW FAILURE SYNDROME, TELOMERE-RELATED, 4. Identifiers: Orphanet 2032, MedGen C4225347, MONDO:0014612, OMIM 616371.

gnomAD v4.1: 1 of 1,613,664 alleles (0.000062%); no homozygotes.

Submission:

Labcorp Genetics (formerly Invitae), Labcorp
Classification: Uncertain significance for Dyskeratosis congenita, autosomal recessive 6; Pulmonary fibrosis and/or bone marrow failure, Telomere-related, 4. Last evaluated: 2022-09-16. Review status: criteria provided, single submitter. Criteria: Invitae Variant Classification Sherloc (09022015). Collection method: clinical testing. Allele origin: germline.
Comment: This sequence change replaces threonine, which is neutral and polar, with asparagine, which is neutral and polar, at codon 594 of the PARN protein (p.Thr594Asn). This variant is not present in population databases (gnomAD no frequency). This variant has not been reported in the literature in individuals affected with PARN-related conditions. Algorithms developed to predict the effect of missense changes on protein structure and function (SIFT, PolyPhen-2, Align-GVGD) all suggest that this variant is likely to be tolerated. In summary, the available evidence is currently insufficient to determine the role of this variant in disease. Therefore, it has been classified as a Variant of Uncertain Significance.